The following is an entry in ClinVar:

ClinVar aggregate classification (germline): Pathogenic (1 of 4 stars; one submission).

Conditions:
Immunodeficiency 35 (IMD35). Also called: TYK2 DEFICIENCY; Susceptibility to infection due to TYK2 deficiency; HIES WITH ATYPICAL MYCOBACTERIOSIS, AUTOSOMAL RECESSIVE; HYPER-IgE SYNDROME WITH ATYPICAL MYCOBACTERIOSIS, AUTOSOMAL RECESSIVE. Identifiers: Orphanet 331226, MedGen C1969086, MONDO:0012682, OMIM 611521.

Submission:

Labcorp Genetics (formerly Invitae), Labcorp
Classification: Pathogenic for Immunodeficiency 35. Last evaluated: 2022-12-04. Review status: criteria provided, single submitter. Criteria: Invitae Variant Classification Sherloc (09022015). Collection method: clinical testing. Allele origin: germline.
Comment: This sequence change creates a premature translational stop signal (p.Gln155*) in the TYK2 gene. It is expected to result in an absent or disrupted protein product. Loss-of-function variants in TYK2 are known to be pathogenic (PMID: 22402565, 26304966). This variant is not present in population databases (gnomAD no frequency). For these reasons, this variant has been classified as Pathogenic. Algorithms developed to predict the effect of sequence changes on RNA splicing suggest that this variant may create or strengthen a splice site. This variant has not been reported in the literature in individuals affected with TYK2-related conditions.

Literature cited by the submitters: PubMed 22402565; PubMed 26304966.

NM_003331.5(TYK2):c.463C>T (p.Gln155Ter)

Gene: TYK2 (tyrosine kinase 2; minus strand). Cytogenetic location: 19p13.2.
Variant type: single nucleotide variant.
Coding change: c.463C>T on transcript NM_003331.5 (MANE Select); coding-DNA position 463, C replaced by T.
Protein change: p.Gln155Ter; replaces glutamine 155 with a stop codon.
Molecular consequence: nonsense.
Genome position (GRCh38, 1-based): chr19:10,368,057, G>A on the plus strand (C>T on the coding strand, the complement: TYK2 is on the minus strand). VCF-style: chr19-10368057-G-A. GRCh37 (hg19) VCF-style: chr19-10478733-G-A.
Other names: c.463C>T, p.Gln155Ter (NM_001385197.1, NM_001385198.1, NM_001385199.1 and 9 more transcripts); short protein forms Q155*.
Identifiers: ClinVar variation 2911814 (VCV002911814.3), dbSNP rs2512581936, ClinGen allele CA404018676.